The following is an entry in ClinVar:

NM_000836.4(GRIN2D):c.422T>C (p.Ile141Thr)

Genes: GRIN2D (glutamate ionotropic receptor NMDA type subunit 2D; plus strand), LOC130064856 (ATAC-STARR-seq lymphoblastoid silent region 10880; plus strand). Cytogenetic location: 19q13.33.
Variant type: single nucleotide variant.
Coding change: c.422T>C on transcript NM_000836.4 (MANE Select); coding-DNA position 422, T replaced by C.
Protein change: p.Ile141Thr; replaces isoleucine 141 with threonine.
Molecular consequence: missense variant.
Genome position (GRCh38, 1-based): chr19:48,398,814, T>C. VCF-style: chr19-48398814-T-C. GRCh37 (hg19) VCF-style: chr19-48902071-T-C.
Other names: short protein forms I141T.
Identifiers: ClinVar variation 1494193 (VCV001494193.8), dbSNP rs1970675031, ClinGen allele CA406689190.

ClinVar aggregate classification (germline): Uncertain significance (1 of 4 stars; one submission).

Allele frequency attached by ClinVar (database versions not stated): TOPMed below 0.00001.

Submission:

Labcorp Genetics (formerly Invitae), Labcorp
Classification: Uncertain significance. Last evaluated: 2021-04-03. Review status: criteria provided, single submitter. Criteria: Invitae Variant Classification Sherloc (09022015). Collection method: clinical testing. Allele origin: germline.
Comment: In summary, the available evidence is currently insufficient to determine the role of this variant in disease. Therefore, it has been classified as a Variant of Uncertain Significance. Algorithms developed to predict the effect of missense changes on protein structure and function are either unavailable or do not agree on the potential impact of this missense change (SIFT: "Deleterious"; PolyPhen-2: "Possibly Damaging"; Align-GVGD: "Class C0"). This variant has not been reported in the literature in individuals with GRIN2D-related conditions. The frequency data for this variant in the population databases is considered unreliable, as metrics indicate insufficient coverage at this position in the ExAC database. This sequence change replaces isoleucine with threonine at codon 141 of the GRIN2D protein (p.Ile141Thr). The isoleucine residue is moderately conserved and there is a moderate physicochemical difference between isoleucine and threonine.